The following is an entry in ClinVar:

ClinVar aggregate classification (germline): Uncertain significance (1 of 4 stars; one submission).

Submission:

Labcorp Genetics (formerly Invitae), Labcorp
Classification: Uncertain significance. Last evaluated: 2022-07-19. Review status: criteria provided, single submitter. Criteria: Invitae Variant Classification Sherloc (09022015). Collection method: clinical testing. Allele origin: germline.
Comment: In summary, the available evidence is currently insufficient to determine the role of this variant in disease. Therefore, it has been classified as a Variant of Uncertain Significance. Algorithms developed to predict the effect of missense changes on protein structure and function are either unavailable or do not agree on the potential impact of this missense change (SIFT: "Deleterious"; PolyPhen-2: "Probably Damaging"; Align-GVGD: "Class C0"). ClinVar contains an entry for this variant (Variation ID: 1401791). This variant has not been reported in the literature in individuals affected with CACNA1F-related conditions. This variant is not present in population databases (gnomAD no frequency). This sequence change replaces methionine, which is neutral and non-polar, with valine, which is neutral and non-polar, at codon 675 of the CACNA1F protein (p.Met675Val).

NM_001256789.3(CACNA1F):c.1990A>G (p.Met664Val)

Gene: CACNA1F (calcium voltage-gated channel subunit alpha1 F; minus strand). Cytogenetic location: Xp11.23.
Variant type: single nucleotide variant.
Coding change: c.1990A>G on transcript NM_001256789.3 (MANE Select); coding-DNA position 1990, A replaced by G.
Protein change: p.Met664Val; replaces methionine 664 with valine.
Molecular consequence: missense variant.
Genome position (GRCh38, 1-based): chrX:49,223,024, T>C on the plus strand (A>G on the coding strand, the complement: CACNA1F is on the minus strand). VCF-style: chrX-49223024-T-C. GRCh37 (hg19) VCF-style: chrX-49079483-T-C.
Other names: c.1828A>G, p.Met610Val (NM_001256790.3); c.2023A>G, p.Met675Val (NM_005183.4); short protein forms M610V, M664V, M675V.
Identifiers: ClinVar variation 1401791 (VCV001401791.8), dbSNP rs2147914173, ClinGen allele CA412912196.